The following is an entry in ClinVar:

NM_000541.5(SAG):c.1126A>G (p.Asn376Asp)

Gene: SAG (S-antigen visual arrestin; plus strand). Cytogenetic location: 2q37.1.
Variant type: single nucleotide variant.
Coding change: c.1126A>G on transcript NM_000541.5 (MANE Select); coding-DNA position 1126, A replaced by G.
Protein change: p.Asn376Asp; replaces asparagine 376 with aspartic acid.
Molecular consequence: missense variant.
Genome position (GRCh38, 1-based): chr2:233,346,820, A>G. VCF-style: chr2-233346820-A-G. GRCh37 (hg19) VCF-style: chr2-234255466-A-G.
Other names: c.1126A>G (NM_000541.4); short protein forms N376D.
Identifiers: ClinVar variation 1010317 (VCV001010317.9), dbSNP rs371537485, ClinGen allele CA2174712.

ClinVar aggregate classification (germline): Uncertain significance. Review status: criteria provided, multiple submitters, no conflicts (2 of 4 stars). 4 submissions from 4 submitters: Uncertain significance (4). Last evaluated 2025-11-24.

Conditions:
SAG-related disorder. Also called: SAG-related disorders; SAG-related condition.
Inborn genetic diseases. Identifiers: MedGen C0950123, MeSH D030342.

Allele frequency attached by ClinVar (database versions not stated): gnomAD exomes 0.00001; ExAC 0.00002; gnomAD 0.00009; TOPMed 0.00009; ESP Exome Variant Server 0.00017.

Submissions (4):

PreventionGenetics, part of Exact Sciences
Classification: Uncertain significance for SAG-related condition. Last evaluated: 2025-11-24. Review status: criteria provided, single submitter. Criteria: ACMG Guidelines, 2015. Collection method: clinical testing. Allele origin: germline.
Comment: The SAG c.1126A>G variant is predicted to result in the amino acid substitution p.Asn376Asp. To our knowledge, this variant has not been reported in the literature. This variant is reported in 0.025% of alleles in individuals of African descent in gnomAD. At this time, the clinical significance of this variant is uncertain due to the absence of conclusive functional and genetic evidence.

Labcorp Genetics (formerly Invitae), Labcorp
Classification: Uncertain significance. Last evaluated: 2025-10-16. Review status: criteria provided, single submitter. Criteria: Invitae Variant Classification Sherloc (09022015). Collection method: clinical testing. Allele origin: germline.
Comment: This sequence change replaces asparagine, which is neutral and polar, with aspartic acid, which is acidic and polar, at codon 376 of the SAG protein (p.Asn376Asp). This variant is present in population databases (rs371537485, gnomAD 0.03%). This variant has not been reported in the literature in individuals affected with SAG-related conditions. ClinVar contains an entry for this variant (Variation ID: 1010317). An algorithm developed to predict the effect of missense changes on protein structure and function outputs the following: PolyPhen-2: "Benign". The aspartic acid amino acid residue is found in multiple mammalian species, which suggests that this missense change does not adversely affect protein function. In summary, the available evidence is currently insufficient to determine the role of this variant in disease. Therefore, it has been classified as a Variant of Uncertain Significance.

Ambry Genetics
Classification: Uncertain significance for Inborn genetic diseases. Last evaluated: 2024-04-04. Review status: criteria provided, single submitter. Criteria: Ambry Variant Classification Scheme 2023. Collection method: clinical testing. Allele origin: germline.

Blueprint Genetics
Classification: Uncertain significance. Last evaluated: 2019-11-19. Review status: criteria provided, single submitter. Criteria: ACMG Guidelines, 2015. Collection method: clinical testing. Allele origin: germline.